The following is an entry in ClinVar:

NM_000112.4(SLC26A2):c.1759C>T (p.Leu587Phe)

Gene: SLC26A2 (solute carrier family 26 member 2; plus strand). Cytogenetic location: 5q32.
Variant type: single nucleotide variant.
Coding change: c.1759C>T on transcript NM_000112.4 (MANE Select); coding-DNA position 1759, C replaced by T.
Protein change: p.Leu587Phe; replaces leucine 587 with phenylalanine.
Molecular consequence: missense variant.
Genome position (GRCh38, 1-based): chr5:149,981,352, C>T. VCF-style: chr5-149981352-C-T. GRCh37 (hg19) VCF-style: chr5-149360915-C-T.
Other names: short protein forms L587F.
Identifiers: ClinVar variation 1462113 (VCV001462113.6), dbSNP rs2113699190, ClinGen allele CA361708718.
Genomic context (GRCh38, chr5:149,981,352, plus strand): 5'-TCTGCTTACAAGAACCTTCAGATTAAGCCAGGCATCAAGATTTTCCGCTTTGTAGCCCCT[C>T]TCTACTACATAAACAAAGAATGCTTTAAATCTGCTTTATACAAACAAACTGTCAACCCAA-3'
Protein context (NP_000103.2, residues 577-597): GIKIFRFVAP[Leu587Phe]YYINKECFKS

ClinVar aggregate classification (germline): Uncertain significance (1 of 4 stars; one submission).

Conditions:
Achondrogenesis, type IB (ACG1B). Also called: Achondrogenesis Type 1B. Identifiers: Orphanet 932, Orphanet 93298, MedGen C0265274, MONDO:0010966, OMIM 600972.
Diastrophic dysplasia (DTD). Also called: Diastrophic dwarfism. Identifiers: Orphanet 628, MedGen C0220726, MONDO:0009107, OMIM 222600.
Multiple epiphyseal dysplasia type 4 (EDM4). Also called: SLC26A2-Related Multiple Epiphyseal Dysplasia; Multiple Epiphyseal Dysplasia, Recessive; MULTIPLE EPIPHYSEAL DYSPLASIA WITH BILAYERED PATELLAE; MULTIPLE EPIPHYSEAL DYSPLASIA WITH CLUBFOOT; MULTIPLE EPIPHYSEAL DYSPLASIA, AUTOSOMAL RECESSIVE. Identifiers: Orphanet 93307, MedGen C1847593, MONDO:0009189, OMIM 226900.
Atelosteogenesis type II (AO2). Also called: NEONATAL OSSEOUS DYSPLASIA I; Neonatal osseous dysplasia 1; SLC26A2-Related Atelosteogenesis. Identifiers: Orphanet 56304, MedGen C1850554, MONDO:0009727, OMIM 256050.

Allele frequency attached by ClinVar (database versions not stated): gnomAD exomes below 0.00001.
gnomAD v4.1: 1 of 1,614,090 alleles (0.000062%); highest among the groups gnomAD compares: Non-Finnish European, 0.000085%; no homozygotes.

Submission:

Labcorp Genetics (formerly Invitae), Labcorp
Classification: Uncertain significance for Atelosteogenesis type II; Multiple epiphyseal dysplasia type 4; Achondrogenesis, type IB; Diastrophic dysplasia. Last evaluated: 2021-07-31. Review status: criteria provided, single submitter. Criteria: Invitae Variant Classification Sherloc (09022015). Collection method: clinical testing. Allele origin: germline.
Comment: In summary, the available evidence is currently insufficient to determine the role of this variant in disease. Therefore, it has been classified as a Variant of Uncertain Significance. Advanced modeling of protein sequence and biophysical properties (such as structural, functional, and spatial information, amino acid conservation, physicochemical variation, residue mobility, and thermodynamic stability) performed at Invitae indicates that this missense variant is not expected to disrupt SLC26A2 protein function. This missense change has been observed in individual(s) with clinical features of diastrophic dysplasia (Invitae). This variant is not present in population databases (ExAC no frequency). This sequence change replaces leucine with phenylalanine at codon 587 of the SLC26A2 protein (p.Leu587Phe). The leucine residue is moderately conserved and there is a small physicochemical difference between leucine and phenylalanine.